The following is an entry in ClinVar:

ClinVar aggregate classification (germline): Uncertain significance (1 of 4 stars; one submission).

Allele frequency attached by ClinVar (database versions not stated): TOPMed below 0.00001.

Submission:

Labcorp Genetics (formerly Invitae), Labcorp
Classification: Uncertain significance. Last evaluated: 2024-03-26. Review status: criteria provided, single submitter. Criteria: Invitae Variant Classification Sherloc (09022015). Collection method: clinical testing. Allele origin: germline.
Comment: This sequence change replaces arginine, which is basic and polar, with tryptophan, which is neutral and slightly polar, at codon 763 of the TNFAIP3 protein (p.Arg763Trp). This variant is not present in population databases (gnomAD no frequency). This variant has not been reported in the literature in individuals affected with TNFAIP3-related conditions. ClinVar contains an entry for this variant (Variation ID: 1448063). An algorithm developed to predict the effect of missense changes on protein structure and function (PolyPhen-2) suggests that this variant is likely to be disruptive. In summary, the available evidence is currently insufficient to determine the role of this variant in disease. Therefore, it has been classified as a Variant of Uncertain Significance.

NM_001270508.2(TNFAIP3):c.2287C>T (p.Arg763Trp)

Gene: TNFAIP3 (TNF alpha induced protein 3; plus strand). Cytogenetic location: 6q23.3.
Variant type: single nucleotide variant.
Coding change: c.2287C>T on transcript NM_001270508.2 (MANE Select); coding-DNA position 2287, C replaced by T.
Protein change: p.Arg763Trp; replaces arginine 763 with tryptophan.
Molecular consequence: missense variant.
Genome position (GRCh38, 1-based): chr6:137,881,233, C>T. VCF-style: chr6-137881233-C-T. GRCh37 (hg19) VCF-style: chr6-138202370-C-T.
Other names: c.2287C>T, p.Arg763Trp (NM_001270507.2, NM_006290.4); short protein forms R763W.
Identifiers: ClinVar variation 1448063 (VCV001448063.8), dbSNP rs867951430, ClinGen allele CA148265754.